The following is an entry in ClinVar:

ClinVar aggregate classification (germline): Uncertain significance (1 of 4 stars; one submission).

Conditions:
Danon disease. Also called: PSEUDOGLYCOGENOSIS II; GSD IIb; LYSOSOMAL GLYCOGEN STORAGE DISEASE WITHOUT ACID MALTASE DEFICIENCY; ANTOPOL DISEASE; Glycogen Storage Disease Type IIb. Identifiers: Orphanet 34587, MedGen C0878677, MONDO:0010281, OMIM 300257.

Submission:

Labcorp Genetics (formerly Invitae), Labcorp
Classification: Uncertain significance for Danon disease. Last evaluated: 2019-08-08. Review status: criteria provided, single submitter. Criteria: Invitae Variant Classification Sherloc (09022015). Collection method: clinical testing. Allele origin: germline.
Comment: In summary, the available evidence is currently insufficient to determine the role of this variant in disease. Therefore, it has been classified as a Variant of Uncertain Significance. Algorithms developed to predict the effect of missense changes on protein structure and function (SIFT, PolyPhen-2, Align-GVGD) all suggest that this variant is likely to be disruptive, but these predictions have not been confirmed by published functional studies and their clinical significance is uncertain. This variant has not been reported in the literature in individuals with LAMP2-related conditions. This variant is not present in population databases (ExAC no frequency). This sequence change replaces leucine with proline at codon 376 of the LAMP2 protein (p.Leu376Pro). The leucine residue is highly conserved and there is a moderate physicochemical difference between leucine and proline.

NM_002294.3(LAMP2):c.1127T>C (p.Leu376Pro)

Gene: LAMP2 (lysosome associated membrane protein 2; minus strand). Cytogenetic location: Xq24.
Variant type: single nucleotide variant.
Coding change: c.1127T>C on transcript NM_002294.3 (MANE Select); coding-DNA position 1127, T replaced by C.
Protein change: p.Leu376Pro; replaces leucine 376 with proline.
Molecular consequence: missense variant. On other transcripts: intron variant (1).
Genome position (GRCh38, 1-based): chrX:120,431,429, A>G on the plus strand (T>C on the coding strand, the complement: LAMP2 is on the minus strand). VCF-style: chrX-120431429-A-G. GRCh37 (hg19) VCF-style: chrX-119565284-A-G.
Other names: c.1094-2803T>C (NM_001122606.1); short protein forms L376P.
Identifiers: ClinVar variation 956090 (VCV000956090.9), dbSNP rs2058522581, ClinGen allele CA414398354.
Genomic context (GRCh38, chrX:120,431,429, plus strand): 5'-TAAGCCAGCAACACTAGAATAAGTACTCCTGCCAAGGCAGCTCCCACCGCTATGGGCACA[A>G]GGAAGTTGTCGTCATCTGCACTGCAGTCTTGAGCTAGATGTGGAGAAAGGACAATTGAGA-3'
Protein context (NP_002285.1, residues 366-386): QDCSADDDNF[Leu376Pro]VPIAVGAALA